The following is an entry in ClinVar:

ClinVar aggregate classification (germline): Uncertain significance (1 of 4 stars; one submission).

Conditions:
RBM27-related disorder. Also called: RBM27-related condition.

Submission:

PreventionGenetics, part of Exact Sciences
Classification: Uncertain significance for RBM27-related condition. Last evaluated: 2025-07-04. Review status: criteria provided, single submitter. Criteria: ACMG Guidelines, 2015. Collection method: clinical testing. Allele origin: germline.
Comment: The RBM27 c.2351A>T variant is predicted to result in the amino acid substitution p.His784Leu. To our knowledge, this variant has not been reported in the literature or in a large population database (gnomAD), indicating this variant is rare. At this time, the clinical significance of this variant is uncertain due to the absence of conclusive functional and genetic evidence.

NM_018989.2(RBM27):c.2351A>T (p.His784Leu)

Genes: RBM27 (RNA binding motif protein 27; plus strand), RBM27-POU4F3 (RBM27-POU4F3 readthrough; plus strand). Cytogenetic location: 5q32.
Variant type: single nucleotide variant.
Coding change: c.2351A>T on transcript NM_018989.2 (MANE Select); coding-DNA position 2351, A replaced by T.
Protein change: p.His784Leu; replaces histidine 784 with leucine.
Molecular consequence: missense variant.
Genome position (GRCh38, 1-based): chr5:146,267,668, A>T. VCF-style: chr5-146267668-A-T. GRCh37 (hg19) VCF-style: chr5-145647231-A-T.
Other names: c.2186A>T, p.His729Leu (NM_001414499.1); short protein forms H729L, H784L.
Identifiers: ClinVar variation 4999016 (VCV004999016.1).